The following is an entry in ClinVar:

NM_000275.3(OCA2):c.2229_2230delinsAA (p.Phe744Ile)

Gene: OCA2 (OCA2 melanosomal transmembrane protein; minus strand). Cytogenetic location: 15q13.1.
Variant type: Indel.
Coding change: c.2229_2230delinsAA on transcript NM_000275.3 (MANE Select); coding-DNA positions 2229 to 2230, GT replaced by AA.
Protein change: p.Phe744Ile; replaces phenylalanine 744 with isoleucine.
Molecular consequence: missense variant.
Genome position (GRCh38, 1-based): chr15:27,871,168-27,871,169, AC replaced by TT on the plus strand (GT replaced by AA on the coding strand, the reverse complement: OCA2 is on the minus strand). VCF-style: chr15-27871168-AC-TT. GRCh37 (hg19) VCF-style: chr15-28116314-AC-TT.
Other names: c.2157_2158delinsAA, p.Phe720Ile (NM_001300984.2); short protein forms F720I, F744I.
Identifiers: ClinVar variation 2777965 (VCV002777965.3), dbSNP rs2505553063, ClinGen allele CA2739279480.

ClinVar aggregate classification (germline): Uncertain significance (1 of 4 stars; one submission).

Submission:

Labcorp Genetics (formerly Invitae), Labcorp
Classification: Uncertain significance. Last evaluated: 2023-09-26. Review status: criteria provided, single submitter. Criteria: Invitae Variant Classification Sherloc (09022015). Collection method: clinical testing. Allele origin: germline.
Comment: This sequence change replaces phenylalanine, which is neutral and non-polar, with isoleucine, which is neutral and non-polar, at codon 744 of the OCA2 protein (p.Phe744Ile). Information on the frequency of this variant in the gnomAD database is not available, as this variant may be reported differently in the database. This variant has not been reported in the literature in individuals affected with OCA2-related conditions. Experimental studies and prediction algorithms are not available or were not evaluated, and the functional significance of this variant is currently unknown. In summary, the available evidence is currently insufficient to determine the role of this variant in disease. Therefore, it has been classified as a Variant of Uncertain Significance.